The following is an entry in ClinVar:

NM_032119.4(ADGRV1):c.9254dup (p.Leu3086fs)

Gene: ADGRV1 (adhesion G protein-coupled receptor V1; plus strand). Cytogenetic location: 5q14.3.
Variant type: Duplication.
Coding change: c.9254dup on transcript NM_032119.4 (MANE Select); coding-DNA position 9254, one base duplicated (T; older notation c.9254dupT).
Protein change: p.Leu3086fs; shifts the reading frame from leucine 3086.
Molecular consequence: frameshift variant. On other transcripts: non-coding transcript variant (1).
Genome position (GRCh38, 1-based): chr5:90,716,536, T duplicated; the last of 5 consecutive T bases (chr5:90,716,532-90,716,536); duplicating any one gives the same sequence. VCF-style (leftmost placement, unchanged base first): chr5-90716531-C-CT. GRCh37 (hg19) VCF-style: chr5-90012348-C-CT.
Other names: short protein forms L3086fs.
Identifiers: ClinVar variation 1454282 (VCV001454282.6), dbSNP rs2149743833, ClinGen allele CA2573139995.

ClinVar aggregate classification (germline): Pathogenic (1 of 4 stars; one submission).

Submission:

Labcorp Genetics (formerly Invitae), Labcorp
Classification: Pathogenic. Last evaluated: 2024-11-05. Review status: criteria provided, single submitter. Criteria: Invitae Variant Classification Sherloc (09022015). Collection method: clinical testing. Allele origin: germline.
Comment: This sequence change creates a premature translational stop signal (p.Leu3086Profs*44) in the ADGRV1 gene. It is expected to result in an absent or disrupted protein product. Loss-of-function variants in ADGRV1 are known to be pathogenic (PMID: 19357117, 22135276, 22147658, 26226137, 30718709, 31047384, 32467589). This variant is not present in population databases (gnomAD no frequency). This premature translational stop signal has been observed in individual(s) with retinitis pigmentosa (internal data). ClinVar contains an entry for this variant (Variation ID: 1454282). For these reasons, this variant has been classified as Pathogenic.

Literature cited by the submitters: PubMed 19357117; PubMed 22135276; PubMed 22147658; PubMed 26226137; PubMed 30718709; PubMed 31047384; PubMed 32467589.